The following is an entry in ClinVar:

NM_145239.3(PRRT2):c.268dup (p.Ser90fs)

Genes: MVP-DT (MVP divergent transcript; minus strand), PRRT2 (proline rich transmembrane protein 2; plus strand). Cytogenetic location: 16p11.2.
Variant type: Duplication.
Coding change: c.268dup on transcript NM_145239.3 (MANE Select); coding-DNA position 268, one base duplicated (A; older notation c.268dupA).
Protein change: p.Ser90fs; shifts the reading frame from serine 90.
Molecular consequence: frameshift variant.
Genome position (GRCh38, 1-based): chr16:29,813,322, A duplicated; the last of 2 consecutive A bases (chr16:29,813,321-29,813,322); duplicating either gives the same sequence. VCF-style (leftmost placement, unchanged base first): chr16-29813320-T-TA. GRCh37 (hg19) VCF-style: chr16-29824641-T-TA.
Other names: c.268dup, p.Ser90fs (NM_001256442.2, NM_001256443.2); short protein forms S90fs.
Identifiers: ClinVar variation 1387417 (VCV001387417.6), dbSNP rs2142423439, ClinGen allele CA2573152278.
Genomic context (GRCh38, chr16:29,813,320, plus strand): 5'-CAGAAACCACAGAGACCCCGGCTGGGGCCTCAGAAACAGCCCAGGCCACAGACCTCAGCT[T>TA]AAGCCCAGGAGGGGAATCAAAGGCCAACTGCAGCCCCGAAGACCCATGCCAAGAAACAGT-3'

ClinVar aggregate classification (germline): Pathogenic (1 of 4 stars; one submission).

Conditions:
Episodic kinesigenic dyskinesia (EKD). Also called: Paroxysmal kinesigenic dyskinesia. Identifiers: Orphanet 98809, MedGen C1868682, MONDO:0044202.

Submission:

Labcorp Genetics (formerly Invitae), Labcorp
Classification: Pathogenic for Episodic kinesigenic dyskinesia. Last evaluated: 2024-10-17. Review status: criteria provided, single submitter. Criteria: Invitae Variant Classification Sherloc (09022015). Collection method: clinical testing. Allele origin: germline.
Comment: This sequence change creates a premature translational stop signal (p.Ser90Lysfs*44) in the PRRT2 gene. It is expected to result in an absent or disrupted protein product. Loss-of-function variants in PRRT2 are known to be pathogenic (PMID: 22623405, 22744660). This variant is not present in population databases (gnomAD no frequency). This variant has not been reported in the literature in individuals affected with PRRT2-related conditions. ClinVar contains an entry for this variant (Variation ID: 1387417). For these reasons, this variant has been classified as Pathogenic.

Literature cited by the submitters: PubMed 22623405; PubMed 22744660.